The following is an entry in ClinVar:

NM_022725.4(FANCF):c.466A>G (p.Asn156Asp)

Gene: FANCF (FA complementation group F; minus strand). Cytogenetic location: 11p14.3.
Variant type: single nucleotide variant.
Coding change: c.466A>G on transcript NM_022725.4 (MANE Select); coding-DNA position 466, A replaced by G.
Protein change: p.Asn156Asp; replaces asparagine 156 with aspartic acid.
Molecular consequence: missense variant.
Genome position (GRCh38, 1-based): chr11:22,625,345, T>C on the plus strand (A>G on the coding strand, the complement: FANCF is on the minus strand). VCF-style: chr11-22625345-T-C. GRCh37 (hg19) VCF-style: chr11-22646891-T-C.
Other names: short protein forms N156D.
Identifiers: ClinVar variation 1319636 (VCV001319636.7), dbSNP rs370979205, ClinGen allele CA5924324.

ClinVar aggregate classification (germline): Uncertain significance. Review status: criteria provided, multiple submitters, no conflicts (2 of 4 stars). 3 submissions from 3 submitters: Uncertain significance (3). Last evaluated 2021-12-22.

Conditions:
Fanconi anemia (FA). Also called: Fanconi's anemia. Identifiers: Orphanet 84, MedGen C0015625, MeSH D005199, MONDO:0019391.

Allele frequency attached by ClinVar (database versions not stated): ESP Exome Variant Server 0.00008; TOPMed 0.00001; gnomAD 0.00001.
gnomAD v4.1: 40 of 1,613,988 alleles (0.0025%); highest among the groups gnomAD compares: Non-Finnish European, 0.0032%; no homozygotes.

Submissions (3):

Sema4
Classification: Uncertain significance for Fanconi anemia. Last evaluated: 2021-12-22. Review status: criteria provided, single submitter. Criteria: Sema4 Curation Guidelines. Collection method: curation. Allele origin: germline.
Comment: The FANCF c.466A>G (p.N156D) variant has not been reported in the literature to our knowledge. It was observed in 2/113346 chromosomes of the Non-Finnish European subpopulation in the large and broad cohorts of the Genome Aggregation Database (PMID: 32461654). The variant has been reported in ClinVar (Variation ID 1319636). In silico tools suggest the impact of the variant on protein function is benign, though these predictions have not been confirmed by functional studies. The evidence is insufficient to meet ACMG/AMP criteria for classifying the variant as benign or pathogenic. Thus, the clinical significance of this variant is currently uncertain.

Institute for Clinical Genetics, University Hospital TU Dresden, University Hospital TU Dresden
Classification: Uncertain significance. Last evaluated: 2021-11-03. Review status: criteria provided, single submitter. Criteria: ACMG Guidelines, 2015. Collection method: clinical testing. Allele origin: germline.

Labcorp Genetics (formerly Invitae), Labcorp
Classification: Uncertain significance for Fanconi anemia. Last evaluated: 2021-10-16. Review status: criteria provided, single submitter. Criteria: Invitae Variant Classification Sherloc (09022015). Collection method: clinical testing. Allele origin: germline.
Comment: Algorithms developed to predict the effect of missense changes on protein structure and function (SIFT, PolyPhen-2, Align-GVGD) all suggest that this variant is likely to be tolerated. In summary, the available evidence is currently insufficient to determine the role of this variant in disease. Therefore, it has been classified as a Variant of Uncertain Significance. This variant has not been reported in the literature in individuals affected with FANCF-related conditions. This variant is present in population databases (rs370979205, ExAC 0.002%). This sequence change replaces asparagine with aspartic acid at codon 156 of the FANCF protein (p.Asn156Asp). The asparagine residue is weakly conserved and there is a small physicochemical difference between asparagine and aspartic acid.